The following is an entry in ClinVar:

NM_000255.4(MMUT):c.917C>A (p.Ser306Tyr)

Gene: MMUT (methylmalonyl-CoA mutase; minus strand). Cytogenetic location: 6p12.3.
Variant type: single nucleotide variant.
Coding change: c.917C>A on transcript NM_000255.4 (MANE Select); coding-DNA position 917, C replaced by A.
Protein change: p.Ser306Tyr; replaces serine 306 with tyrosine.
Molecular consequence: missense variant.
Genome position (GRCh38, 1-based): chr6:49,453,751, G>T on the plus strand (C>A on the coding strand, the complement: MMUT is on the minus strand). VCF-style: chr6-49453751-G-T. GRCh37 (hg19) VCF-style: chr6-49421464-G-T.
Other names: short protein forms S306Y.
Identifiers: ClinVar variation 427056 (VCV000427056.3), dbSNP rs1085307929, ClinGen allele CA364401067.

ClinVar aggregate classification (germline): Conflicting classifications of pathogenicity. Review status: criteria provided, conflicting classifications (1 of 4 stars). 2 submissions from 2 submitters: Likely pathogenic (1); Uncertain significance (1). Last evaluated 2024-07-16.

Submissions (2):

Women's Health and Genetics/Laboratory Corporation of America, LabCorp
Classification: Uncertain significance. Last evaluated: 2024-07-16. Review status: criteria provided, single submitter. Criteria: LabCorp Variant Classification Summary - May 2015. Collection method: clinical testing. Allele origin: germline.
Comment: Variant summary: MUT c.917C>A (p.Ser306Tyr) results in a non-conservative amino acid change located in the methylmalonyl-CoA mutase, alpha chain, catalytic domain (IPR006098) of the encoded protein sequence. Five of five in-silico tools predict a damaging effect of the variant on protein function. The variant was absent in 250844 control chromosomes. The available data on variant occurrences in the general population are insufficient to allow any conclusion about variant significance. To our knowledge, no occurrence of c.917C>A in individuals affected with Methylmalonic Acidemia and no experimental evidence demonstrating its impact on protein function have been reported. ClinVar contains an entry for this variant (Variation ID: 427056). Based on the evidence outlined above, the variant was classified as uncertain significance.

GeneDx
Classification: Likely pathogenic. Last evaluated: 2015-07-20. Review status: criteria provided, single submitter. Criteria: GeneDx Variant Classification (06012015). Collection method: clinical testing. Allele origin: germline. Affected: yes.
Comment: The S306Y variant has not been published as a pathogenic variant, nor has it been reported as a benign polymorphism to our knowledge. The S306Y variant is a semi-conservative amino acid substitution, which may impact secondary protein structure as these residues differ in some properties. This substitution occurs at a position that is conserved across species, in silico analysis predicts this variant is probably damaging to the protein structure/function, and a missense variant at the same position (S306F) and a missense variant in a nearby residue (L305S) have been reported in the Human Gene Mutation Database in association with MMA (Stenson et al., 2014), supporting the functional importance of this region of the protein. Therefore, the S306Y variant is a strong candidate for a pathogenic variant, however the possibility that it is a benign variant cannot be excluded.